The following is an entry in ClinVar:

NM_024675.4(PALB2):c.554A>G (p.Lys185Arg)

Gene: PALB2 (partner and localizer of BRCA2; minus strand). Cytogenetic location: 16p12.2.
Variant type: single nucleotide variant.
Coding change: c.554A>G on transcript NM_024675.4 (MANE Select); coding-DNA position 554, A replaced by G.
Protein change: p.Lys185Arg; replaces lysine 185 with arginine.
Molecular consequence: missense variant.
Genome position (GRCh38, 1-based): chr16:23,635,992, T>C on the plus strand (A>G on the coding strand, the complement: PALB2 is on the minus strand). VCF-style: chr16-23635992-T-C. GRCh37 (hg19) VCF-style: chr16-23647313-T-C.
Other names: short protein forms K185R.
Identifiers: ClinVar variation 220827 (VCV000220827.13), dbSNP rs864622667, ClinGen allele CA350526.

ClinVar aggregate classification (germline): Uncertain significance. Review status: criteria provided, multiple submitters, no conflicts (2 of 4 stars). 3 submissions from 3 submitters: Uncertain significance (3). Last evaluated 2025-06-22.

Conditions:
Hereditary cancer-predisposing syndrome. Also called: Hereditary neoplastic syndrome; Tumor predisposition; Hereditary Cancer Syndrome; Neoplastic Syndromes, Hereditary. Identifiers: Orphanet 140162, MedGen C0027672, MeSH D009386, MONDO:0015356.
Familial cancer of breast. Also called: hereditary breast carcinoma; Hereditary breast cancer; BREAST CANCER, FAMILIAL. Identifiers: Orphanet 227535, MedGen C0346153, MONDO:0016419, OMIM 114480. Disease mechanism: loss of function.

Allele frequency attached by ClinVar (database versions not stated): gnomAD 0.00001; TOPMed 0.00002.

Submissions (3):

Labcorp Genetics (formerly Invitae), Labcorp
Classification: Uncertain significance for Familial cancer of breast. Last evaluated: 2025-06-22. Review status: criteria provided, single submitter. Criteria: Invitae Variant Classification Sherloc (09022015). Collection method: clinical testing. Allele origin: germline.
Comment: This sequence change replaces lysine, which is basic and polar, with arginine, which is basic and polar, at codon 185 of the PALB2 protein (p.Lys185Arg). This variant is not present in population databases (gnomAD no frequency). This variant has not been reported in the literature in individuals affected with PALB2-related conditions. ClinVar contains an entry for this variant (Variation ID: 220827). An algorithm developed to predict the effect of missense changes on protein structure and function (PolyPhen-2) suggests that this variant is likely to be tolerated. In summary, the available evidence is currently insufficient to determine the role of this variant in disease. Therefore, it has been classified as a Variant of Uncertain Significance.

GeneDx
Classification: Uncertain significance. Last evaluated: 2024-02-27. Review status: criteria provided, single submitter. Criteria: GeneDx Variant Classification Process June 2021. Collection method: clinical testing. Allele origin: germline. Affected: yes.
Comment: Not observed at significant frequency in large population cohorts (gnomAD); In silico analysis supports that this missense variant does not alter protein structure/function; Has not been previously published as pathogenic or benign to our knowledge; This variant is associated with the following publications: (PMID: 20871615, 19369211)

Ambry Genetics
Classification: Uncertain significance for Hereditary cancer-predisposing syndrome. Last evaluated: 2023-03-17. Review status: criteria provided, single submitter. Criteria: Ambry Variant Classification Scheme 2023. Collection method: clinical testing. Allele origin: germline.
Comment: The p.K185R variant (also known as c.554A>G), located in coding exon 4 of the PALB2 gene, results from an A to G substitution at nucleotide position 554. The lysine at codon 185 is replaced by arginine, an amino acid with highly similar properties. This amino acid position is poorly conserved in available vertebrate species. In addition, this alteration is predicted to be tolerated by in silico analysis. Since supporting evidence is limited at this time, the clinical significance of this alteration remains unclear.